The following is an entry in ClinVar:

ClinVar aggregate classification (germline): Likely pathogenic (1 of 4 stars; one submission).

Conditions:
Bombay phenotype. Identifiers: MedGen C1859408, OMIM 616754, MONDO:0014763.

Submission:

Immunoscience Laboratory, Almoayad Group – Iraq
Classification: Likely pathogenic for Bombay phenotype. Last evaluated: 2025-08-09. Review status: criteria provided, single submitter. Criteria: ACMG Guidelines, 2015. Collection method: provider interpretation. Allele origin: germline. Inheritance: Autosomal recessive inheritance. Affected: yes. Observed: 1 homozygote.
Comment: This variant (NM_001384359.1:c.788_789insA; NP_001371288.1:p.Asn263LysfsTer7) is a homozygous frameshift insertion predicted to introduce a premature stop codon, resulting in loss of FUT1 function. Loss-of-function variants in FUT1 are an established cause of the Bombay phenotype (OMIM: 616754). This provides functional evidence supporting pathogenicity. The variant is absent from population databases. According to ACMG/AMP guidelines, criteria PVS1, PS3, and PM2 apply. Therefore, the variant is classified as Likely Pathogenic.

NM_001384359.1(FUT1):c.788dup (p.Asn263fs)

Gene: FUT1 (fucosyltransferase 1 (H blood group); minus strand). Cytogenetic location: 19q13.33.
Variant type: Duplication.
Coding change: c.788dup on transcript NM_001384359.1 (MANE Select); coding-DNA position 788, one base duplicated (A; older notation c.788dupA).
Protein change: p.Asn263fs; shifts the reading frame from asparagine 263.
Molecular consequence: frameshift variant.
Genome position (GRCh38, 1-based): chr19:48,750,494, T duplicated on the plus strand (A on the coding strand, the reverse complement: FUT1 is on the minus strand); the first of 2 consecutive T bases (chr19:48,750,494-48,750,495); duplicating either gives the same sequence. VCF-style (leftmost placement, unchanged base first): chr19-48750493-G-GT. GRCh37 (hg19) VCF-style: chr19-49253750-G-GT.
Other names: NP_001371288.1:p.Asn263LysfsTer7; c.788dup, p.Asn263fs (NM_000148.4, NM_001329877.1); c.788_789insA (NM_001384359.1); short protein forms N263fs.
Identifiers: ClinVar variation 4526453 (VCV004526453.1).